The following is an entry in ClinVar:

ClinVar aggregate classification (germline): Uncertain significance (1 of 4 stars; one submission).

Conditions:
Primary ciliary dyskinesia. Also called: Ciliary dyskinesia. Identifiers: Orphanet 244, MedGen C0008780, MONDO:0016575, HP:0012265.

Allele frequency attached by ClinVar (database versions not stated): gnomAD exomes below 0.00001.
gnomAD v4.1: 1 of 1,604,980 alleles (0.000062%); highest among the groups gnomAD compares: East Asian, 0.0022%; no homozygotes.

Submission:

Labcorp Genetics (formerly Invitae), Labcorp
Classification: Uncertain significance for Primary ciliary dyskinesia. Last evaluated: 2024-12-03. Review status: criteria provided, single submitter. Criteria: Invitae Variant Classification Sherloc (09022015). Collection method: clinical testing. Allele origin: germline.
Comment: This sequence change replaces proline, which is neutral and non-polar, with glutamine, which is neutral and polar, at codon 3071 of the DNAH11 protein (p.Pro3071Gln). This variant is not present in population databases (gnomAD no frequency). This variant has not been reported in the literature in individuals affected with DNAH11-related conditions. ClinVar contains an entry for this variant (Variation ID: 2012464). Invitae Evidence Modeling of protein sequence and biophysical properties (such as structural, functional, and spatial information, amino acid conservation, physicochemical variation, residue mobility, and thermodynamic stability) has been performed for this missense variant. However, the output from this modeling did not meet the statistical confidence thresholds required to predict the impact of this variant on DNAH11 protein function. In summary, the available evidence is currently insufficient to determine the role of this variant in disease. Therefore, it has been classified as a Variant of Uncertain Significance.

NM_001277115.2(DNAH11):c.9212C>A (p.Pro3071Gln)

Gene: DNAH11 (dynein axonemal heavy chain 11; plus strand). Cytogenetic location: 7p15.3.
Variant type: single nucleotide variant.
Coding change: c.9212C>A on transcript NM_001277115.2 (MANE Select); coding-DNA position 9212, C replaced by A.
Protein change: p.Pro3071Gln; replaces proline 3071 with glutamine.
Molecular consequence: missense variant.
Genome position (GRCh38, 1-based): chr7:21,773,875, C>A. VCF-style: chr7-21773875-C-A. GRCh37 (hg19) VCF-style: chr7-21813493-C-A.
Other names: c.9233C>A, p.Pro3078Gln (NM_003777.3); short protein forms P3078Q, P3071Q.
Identifiers: ClinVar variation 2012464 (VCV002012464.4), dbSNP rs1216148023, ClinGen allele CA366936573.